The following is an entry in ClinVar:

NM_000639.3(FASLG):c.509T>C (p.Leu170Pro)

Gene: FASLG (Fas ligand; plus strand). Cytogenetic location: 1q24.3.
Variant type: single nucleotide variant.
Coding change: c.509T>C on transcript NM_000639.3 (MANE Select); coding-DNA position 509, T replaced by C.
Protein change: p.Leu170Pro; replaces leucine 170 with proline.
Molecular consequence: missense variant. On other transcripts: 3 prime UTR variant (1).
Genome position (GRCh38, 1-based): chr1:172,665,679, T>C. VCF-style: chr1-172665679-T-C. GRCh37 (hg19) VCF-style: chr1-172634819-T-C.
Other names: c.*79T>C (NM_001302746.2); short protein forms L170P.
Identifiers: ClinVar variation 3390054 (VCV003390054.14).

ClinVar aggregate classification (germline): Uncertain significance (1 of 4 stars; one submission).

Submission:

CeGaT Center for Human Genetics Tuebingen
Classification: Uncertain significance. Last evaluated: 2024-11-01. Review status: criteria provided, single submitter. Criteria: CeGaT Center For Human Genetics Tuebingen Variant Classification Criteria Version 2. Collection method: clinical testing. Allele origin: germline. Affected: yes. Observed: 1 variant allele.
Comment: FASLG: PM2